The following is an entry in ClinVar:

ClinVar aggregate classification (germline): Pathogenic (1 of 4 stars; one submission).

Conditions:
Osteogenesis imperfecta type 7 (OI7). Also called: OI type 7; OI type VII; OSTEOGENESIS IMPERFECTA, TYPE IIB; Osteogenesis imperfecta type 2B; OI type 2B; Osteogenesis imperfecta, perinatal lethal autosomal recessive. Identifiers: MedGen C1853162, MONDO:0012536, OMIM 610682.

Submission:

Labcorp Genetics (formerly Invitae), Labcorp
Classification: Pathogenic for Osteogenesis imperfecta type 7. Last evaluated: 2023-01-18. Review status: criteria provided, single submitter. Criteria: Invitae Variant Classification Sherloc (09022015). Collection method: clinical testing. Allele origin: unknown.
Comment: This variant results in the deletion of exons 4-5 and part of exon 6 (c.794-218_1088del) of the CRTAP gene. It is expected to disrupt RNA splicing. Variants that disrupt the donor or acceptor splice site typically lead to a loss of protein function (PMID: 16199547), and loss-of-function variants in CRTAP are known to be pathogenic (PMID: 17055431, 19862557, 24715559). For these reasons, this variant has been classified as Pathogenic. This variant disrupts a region of the CRTAP protein in which other variant(s) (p.Glu269_Val270del) have been determined to be pathogenic (PMID: 21964860). This suggests that this is a clinically significant region of the protein, and that variants that disrupt it are likely to be disease-causing. This variant has not been reported in the literature in individuals affected with CRTAP-related conditions.

Literature cited by the submitters: PubMed 16199547; PubMed 17055431; PubMed 19862557; PubMed 24715559; PubMed 21964860.

NC_000003.11:g.(?_33171213)_(33175693_?)del

Gene: CRTAP (cartilage associated protein; plus strand). Cytogenetic location: 3p22.3.
Variant type: Deletion.
Identifiers: ClinVar variation 3246885 (VCV003246885.1).